The following is an entry in ClinVar:

ClinVar aggregate classification (germline): Likely pathogenic (1 of 4 stars; one submission).

Submission:

Labcorp Genetics (formerly Invitae), Labcorp
Classification: Likely pathogenic. Last evaluated: 2025-09-16. Review status: criteria provided, single submitter. Criteria: Invitae Variant Classification Sherloc (09022015). Collection method: clinical testing. Allele origin: germline.
Comment: This sequence change affects a splice site in intron 25 of the KIDINS220 gene. It is expected to disrupt RNA splicing. Variants that disrupt the donor or acceptor splice site typically lead to a loss of protein function (PMID: 16199547), and loss-of-function variants in KIDINS220 are known to be pathogenic (PMID: 28934391, 32909676). This variant is not present in population databases (gnomAD no frequency). This variant has not been reported in the literature in individuals affected with KIDINS220-related conditions. Algorithms developed to predict the effect of sequence changes on RNA splicing suggest that this variant may disrupt the consensus splice site. In summary, the currently available evidence indicates that the variant is pathogenic, but additional data are needed to prove that conclusively. Therefore, this variant has been classified as Likely Pathogenic.

Literature cited by the submitters: PubMed 16199547; PubMed 28934391; PubMed 32909676.

NM_020738.4(KIDINS220):c.3528+1_3528+7del

Gene: KIDINS220 (kinase D interacting substrate 220; minus strand). Cytogenetic location: 2p25.1.
Variant type: Deletion.
Coding change: c.3528+1_3528+7del on transcript NM_020738.4 (MANE Select); the canonical splice donor site of the intron after coding-DNA position 3528 through 7 bases into the intron after coding-DNA position 3528, 7 bases deleted (GTAAGTA; older notation c.3528+1_3528+7delGTAAGTA).
Molecular consequence: splice donor variant. On other transcripts: intron variant (8).
Genome position (GRCh38, 1-based): chr2:8,747,880-8,747,886, TACTTAC deleted on the plus strand (GTAAGTA on the coding strand, the reverse complement: KIDINS220 is on the minus strand); deleting any 7 consecutive bases within chr2:8,747,880-8,747,888 gives the same sequence; the c. name uses the placement nearest the transcript's 3' end. VCF-style (leftmost placement, unchanged base first): chr2-8747879-ATACTTAC-A. GRCh37 (hg19) VCF-style: chr2-8888009-ATACTTAC-A.
Other names: c.3414+2226_3414+2232del (NM_001348741.2, NM_001348742.2, NM_001348743.2 and 1 more transcripts); c.3528+1_3528+7del (NM_001348738.2, NM_001348732.2); c.3417+2226_3417+2232del (NM_001348739.2, NM_001348740.2, NM_001348734.2); c.3531+1_3531+7del (NM_001348731.2, NM_001348729.2); c.3288+2226_3288+2232del (NM_001348736.2).
Identifiers: ClinVar variation 4775807 (VCV004775807.1).